The following is an entry in ClinVar:

ClinVar aggregate classification (germline): Uncertain significance. Review status: criteria provided, multiple submitters, no conflicts (2 of 4 stars). 2 submissions from 2 submitters: Uncertain significance (2). Last evaluated 2026-06-03.

Conditions:
Hereditary cancer-predisposing syndrome. Also called: Hereditary neoplastic syndrome; Neoplastic Syndromes, Hereditary; Tumor predisposition; Hereditary Cancer Syndrome. Identifiers: Orphanet 140162, MedGen C0027672, MeSH D009386, MONDO:0015356.
Melanoma, cutaneous malignant, susceptibility to, 8. Also called: MELANOMA AND RENAL CELL CARCINOMA, SUSCEPTIBILITY TO; Cutaneous malignant melanoma 8. Identifiers: Orphanet 293822, MedGen C3152204, MONDO:0013759, OMIM 614456.
Tietz syndrome (TADS). Also called: ALBINISM-DEAFNESS OF TIETZ; HYPOPIGMENTATION/DEAFNESS OF TIETZ; TIETZ ALBINISM-DEAFNESS SYNDROME. Identifiers: Orphanet 42665, MedGen C0391816, MONDO:0007077, OMIM 103500.
Waardenburg syndrome type 2A (WS2A). Also called: WAARDENBURG SYNDROME WITHOUT DYSTOPIA CANTHORUM. Identifiers: Orphanet 3440, MedGen C1860339, MONDO:0008671, OMIM 193510.

gnomAD v4.1: 1 of 1,612,976 alleles (0.000062%); highest among the groups gnomAD compares: East Asian, 0.0022%; no homozygotes.

Submissions (2):

Ambry Genetics
Classification: Uncertain significance for Hereditary cancer-predisposing syndrome. Last evaluated: 2026-06-03. Review status: criteria provided, single submitter. Criteria: Ambry Variant Classification Scheme 2023. Collection method: clinical testing. Allele origin: germline.
Comment: The p.S128L variant (also known as c.383C>T), located in coding exon 4 of the MITF gene, results from a C to T substitution at nucleotide position 383. The serine at codon 128 is replaced by leucine, an amino acid with dissimilar properties. This amino acid position is conserved. In addition, the in silico prediction for this alteration is inconclusive. Based on the available evidence, the clinical significance of this variant remains unclear.

Labcorp Genetics (formerly Invitae), Labcorp
Classification: Uncertain significance for Melanoma, cutaneous malignant, susceptibility to, 8; Waardenburg syndrome type 2A; Tietz syndrome. Last evaluated: 2025-03-24. Review status: criteria provided, single submitter. Criteria: Invitae Variant Classification Sherloc (09022015). Collection method: clinical testing. Allele origin: germline.
Comment: This sequence change replaces serine, which is neutral and polar, with leucine, which is neutral and non-polar, at codon 128 of the MITF protein (p.Ser128Leu). This variant is not present in population databases (gnomAD no frequency). This variant has not been reported in the literature in individuals affected with MITF-related conditions. Invitae Evidence Modeling of protein sequence and biophysical properties (such as structural, functional, and spatial information, amino acid conservation, physicochemical variation, residue mobility, and thermodynamic stability) indicates that this missense variant is expected to disrupt MITF protein function with a positive predictive value of 80%. In summary, the available evidence is currently insufficient to determine the role of this variant in disease. Therefore, it has been classified as a Variant of Uncertain Significance.

NM_001354604.2(MITF):c.704C>T (p.Ser235Leu)

Gene: MITF (melanocyte inducing transcription factor; plus strand). Cytogenetic location: 3p13.
Variant type: single nucleotide variant.
Coding change: c.704C>T on transcript NM_001354604.2 (MANE Select); coding-DNA position 704, C replaced by T.
Protein change: p.Ser235Leu; replaces serine 235 with leucine.
Molecular consequence: missense variant.
Genome position (GRCh38, 1-based): chr3:69,941,273, C>T. VCF-style: chr3-69941273-C-T. GRCh37 (hg19) VCF-style: chr3-69990424-C-T.
Other names: c.383C>T, p.Ser128Leu (NM_000248.4, NM_198158.3); c.548C>T, p.Ser183Leu (NM_001184967.2, NM_001354608.2); c.701C>T, p.Ser234Leu (NM_001354605.2, NM_001354606.2, NM_006722.3); c.653C>T, p.Ser218Leu (NM_001354607.2); c.704C>T, p.Ser235Leu (NM_198159.3); c.656C>T, p.Ser219Leu (NM_198177.3); c.215C>T, p.Ser72Leu (NM_198178.3); short protein forms S234L, S235L, S218L, S219L, S128L, S183L, S72L.
Identifiers: ClinVar variation 4793975 (VCV004793975.2).